The following is an entry in ClinVar:

NM_006230.4(POLD2):c.1366G>A (p.Gly456Arg)

Gene: POLD2 (DNA polymerase delta 2, accessory subunit; minus strand). Cytogenetic location: 7p13.
Variant type: single nucleotide variant.
Coding change: c.1366G>A on transcript NM_006230.4 (MANE Select); coding-DNA position 1366, G replaced by A.
Protein change: p.Gly456Arg; replaces glycine 456 with arginine.
Molecular consequence: missense variant.
Genome position (GRCh38, 1-based): chr7:44,114,829, C>T on the plus strand (G>A on the coding strand, the complement: POLD2 is on the minus strand). VCF-style: chr7-44114829-C-T. GRCh37 (hg19) VCF-style: chr7-44154428-C-T.
Other names: c.1366G>A, p.Gly456Arg (NM_001127218.3, NM_001256879.2); short protein forms G456R.
Identifiers: ClinVar variation 2124809 (VCV002124809.4), dbSNP rs374486229, ClinGen allele CA4238537.

ClinVar aggregate classification (germline): Uncertain significance (1 of 4 stars; one submission).

Allele frequency attached by ClinVar (database versions not stated): ExAC 0.00002; gnomAD exomes 0.00001; gnomAD 0.00001; TOPMed 0.00001; ESP Exome Variant Server 0.00008.
gnomAD v4.1: 11 of 1,613,794 alleles (0.00068%); highest among the groups gnomAD compares: Middle Eastern, 0.016%; no homozygotes.

Submission:

Labcorp Genetics (formerly Invitae), Labcorp
Classification: Uncertain significance. Last evaluated: 2025-05-11. Review status: criteria provided, single submitter. Criteria: Invitae Variant Classification Sherloc (09022015). Collection method: clinical testing. Allele origin: germline.
Comment: This sequence change replaces glycine, which is neutral and non-polar, with arginine, which is basic and polar, at codon 491 of the POLD2 protein (p.Gly491Arg). This variant is present in population databases (rs374486229, gnomAD 0.003%). This variant has not been reported in the literature in individuals affected with POLD2-related conditions. ClinVar contains an entry for this variant (Variation ID: 2124809). Experimental studies and prediction algorithms are not available or were not evaluated, and the functional significance of this variant is currently unknown. In summary, the available evidence is currently insufficient to determine the role of this variant in disease. Therefore, it has been classified as a Variant of Uncertain Significance.